The following is an entry in ClinVar:

NM_178857.6(RP1L1):c.337C>T (p.Pro113Ser)

Gene: RP1L1 (RP1 like 1). Cytogenetic location: 8p23.1.
Variant type: single nucleotide variant.
Coding change: c.337C>T on transcript NM_178857.6 (MANE Select); coding-DNA position 337, C replaced by T.
Protein change: p.Pro113Ser; replaces proline 113 with serine.
Molecular consequence: missense variant.
Genome position (GRCh38, 1-based): chr8:10,622,865, G>A on the plus strand (C>T on the coding strand, the complement: RP1L1 is on the minus strand). VCF-style: chr8-10622865-G-A. GRCh37 (hg19) VCF-style: chr8-10480375-G-A.
Other names: short protein forms P113S.
Identifiers: ClinVar variation 361415 (VCV000361415.15), dbSNP rs201245739, ClinGen allele CA4625749.

ClinVar aggregate classification (germline): Benign/Likely benign. Review status: criteria provided, multiple submitters, no conflicts (2 of 4 stars). 4 submissions from 4 submitters: Benign (2); Likely benign (2). Last evaluated 2026-01-27.

Conditions:
Occult macular dystrophy (OCMD). Also called: OMD; OCCULT MACULAR DYSTROPHY, SUSCEPTIBILITY TO. Identifiers: Orphanet 247834, MedGen C3150833, MONDO:0013316, OMIM 613587, HP:0030636.

Allele frequency attached by ClinVar (database versions not stated): ESP Exome Variant Server 0.00017; gnomAD 0.00024 and 0.00070; TOPMed 0.00032; gnomAD exomes 0.00119 and 0.00227; ExAC 0.00260; 1000 Genomes Project 30x 0.00328; 1000 Genomes Project 0.00399.

Submissions (4):

Labcorp Genetics (formerly Invitae), Labcorp
Classification: Benign. Last evaluated: 2026-01-27. Review status: criteria provided, single submitter. Criteria: Invitae Variant Classification Sherloc (09022015). Collection method: clinical testing. Allele origin: germline.

Blueprint Genetics
Classification: Benign. Last evaluated: 2024-11-04. Review status: criteria provided, single submitter. Criteria: ACMG Guidelines, 2015. Collection method: clinical testing. Allele origin: germline.

Illumina Laboratory Services, Illumina
Classification: Likely benign for Occult macular dystrophy. Last evaluated: 2017-04-28. Review status: criteria provided, single submitter. Criteria: ICSL Variant Classification Criteria 13 December 2019. Collection method: clinical testing. Allele origin: germline.
Comment: This variant was observed as part of a predisposition screen in an ostensibly healthy population. A literature search was performed for the gene, cDNA change, and amino acid change (where applicable). Publications were found based on this search. The evidence from the literature, in combination with allele frequency data from public databases where available, was sufficient to determine this variant is unlikely to cause disease. Therefore, this variant is classified as likely benign.

Breakthrough Genomics
Classification: Likely benign. Review status: criteria provided, single submitter. Criteria: ACMG Guidelines, 2015. Collection method: not provided. Allele origin: germline. Inheritance: Autosomal recessive inheritance. Affected: yes.

Literature cited by the submitters: PubMed 23281133 (cited by Illumina Laboratory Services, Illumina).